The following is an entry in ClinVar:

ClinVar aggregate classification (germline): Uncertain significance (1 of 4 stars; one submission).

Submission:

Labcorp Genetics (formerly Invitae), Labcorp
Classification: Uncertain significance. Last evaluated: 2024-08-24. Review status: criteria provided, single submitter. Criteria: Invitae Variant Classification Sherloc (09022015). Collection method: clinical testing. Allele origin: germline.
Comment: This sequence change replaces leucine, which is neutral and non-polar, with valine, which is neutral and non-polar, at codon 1129 of the GRIN2D protein (p.Leu1129Val). This variant is not present in population databases (gnomAD no frequency). This variant has not been reported in the literature in individuals affected with GRIN2D-related conditions. Invitae Evidence Modeling of protein sequence and biophysical properties (such as structural, functional, and spatial information, amino acid conservation, physicochemical variation, residue mobility, and thermodynamic stability) indicates that this missense variant is not expected to disrupt GRIN2D protein function with a negative predictive value of 95%. In summary, the available evidence is currently insufficient to determine the role of this variant in disease. Therefore, it has been classified as a Variant of Uncertain Significance.

NM_000836.4(GRIN2D):c.3385C>G (p.Leu1129Val)

Gene: GRIN2D (glutamate ionotropic receptor NMDA type subunit 2D; plus strand). Cytogenetic location: 19q13.33.
Variant type: single nucleotide variant.
Coding change: c.3385C>G on transcript NM_000836.4 (MANE Select); coding-DNA position 3385, C replaced by G.
Protein change: p.Leu1129Val; replaces leucine 1129 with valine.
Molecular consequence: missense variant.
Genome position (GRCh38, 1-based): chr19:48,443,311, C>G. VCF-style: chr19-48443311-C-G. GRCh37 (hg19) VCF-style: chr19-48946568-C-G.
Other names: short protein forms L1129V.
Identifiers: ClinVar variation 3617860 (VCV003617860.2).